The following is an entry in ClinVar:

NM_014425.5(INVS):c.2941A>G (p.Lys981Glu)

Gene: INVS (inversin; plus strand). Cytogenetic location: 9q31.1.
Variant type: single nucleotide variant.
Coding change: c.2941A>G on transcript NM_014425.5 (MANE Select); coding-DNA position 2941, A replaced by G.
Protein change: p.Lys981Glu; replaces lysine 981 with glutamic acid.
Molecular consequence: missense variant. On other transcripts: non-coding transcript variant (1).
Genome position (GRCh38, 1-based): chr9:100,297,071, A>G. VCF-style: chr9-100297071-A-G. GRCh37 (hg19) VCF-style: chr9-103059353-A-G.
Other names: c.2653A>G, p.Lys885Glu (NM_001318381.2); c.1963A>G, p.Lys655Glu (NM_001318382.2); short protein forms K655E, K885E, K981E.
Identifiers: ClinVar variation 1026283 (VCV001026283.6), dbSNP rs1833812606, ClinGen allele CA374245290.
Genomic context (GRCh38, chr9:100,297,071, plus strand): 5'-CTCCTCCAGGTTTGGAGGAAGGAACTGGAACTAAAATTCCCCCAAACCACTGCAGTAAGC[A>G]AGGCCCCCAAGAGTCCATCCAAGGGCACCTCAGGCACAAAGTCCACCAAGCACTCAGTGC-3'
Protein context (NP_055240.2, residues 971-991): LKFPQTTAVS[Lys981Glu]APKSPSKGTS

ClinVar aggregate classification (germline): Uncertain significance (1 of 4 stars; one submission).

Conditions:
Nephronophthisis. Also called: Juvenile Nephronophthisis. Identifiers: Orphanet 655, MedGen C0687120, MONDO:0019005, HP:0000090.

Submission:

Labcorp Genetics (formerly Invitae), Labcorp
Classification: Uncertain significance for Nephronophthisis. Last evaluated: 2021-09-02. Review status: criteria provided, single submitter. Criteria: Invitae Variant Classification Sherloc (09022015). Collection method: clinical testing. Allele origin: germline.
Comment: This sequence change replaces lysine with glutamic acid at codon 981 of the INVS protein (p.Lys981Glu). The lysine residue is moderately conserved and there is a small physicochemical difference between lysine and glutamic acid. This variant is not present in population databases (ExAC no frequency). This variant has not been reported in the literature in individuals affected with INVS-related conditions. Algorithms developed to predict the effect of missense changes on protein structure and function are either unavailable or do not agree on the potential impact of this missense change (SIFT: "Deleterious"; PolyPhen-2: "Benign"; Align-GVGD: "Class C0"). In summary, the available evidence is currently insufficient to determine the role of this variant in disease. Therefore, it has been classified as a Variant of Uncertain Significance.